The following is an entry in ClinVar:

NM_001040142.2(SCN2A):c.4612A>G (p.Met1538Val)

Gene: SCN2A (sodium voltage-gated channel alpha subunit 2; plus strand). Cytogenetic location: 2q24.3.
Variant type: single nucleotide variant.
Coding change: c.4612A>G on transcript NM_001040142.2 (MANE Select); coding-DNA position 4612, A replaced by G.
Protein change: p.Met1538Val; replaces methionine 1538 with valine.
Molecular consequence: missense variant.
Genome position (GRCh38, 1-based): chr2:165,386,806, A>G. VCF-style: chr2-165386806-A-G. GRCh37 (hg19) VCF-style: chr2-166243316-A-G.
Other names: p.M1538V:ATG>GTG; c.4612A>G, p.Met1538Val (NM_001040143.2, NM_001371246.1, NM_001371247.1 and 1 more transcripts); short protein forms M1538V.
Identifiers: ClinVar variation 207009 (VCV000207009.3), dbSNP rs796053147, ClinGen allele CA317988.
Genomic context (GRCh38, chr2:165,386,806, plus strand): 5'-AACAAATTCCAAGGAATGGTCTTTGATTTTGTAACCAAACAAGTCTTTGATATCAGCATC[A>G]TGATCCTCATCTGCCTTAACATGGTCACCATGATGGTGGAAACCGATGACCAGAGTCAAG-3'
Protein context (NP_001035232.1, residues 1528-1548): VTKQVFDISI[Met1538Val]ILICLNMVTM

ClinVar aggregate classification (germline): Uncertain significance. Review status: criteria provided, multiple submitters, no conflicts (2 of 4 stars). 2 submissions from 2 submitters: Uncertain significance (2). Last evaluated 2025-10-03.

Conditions:
SCN2A-related disorder. Also called: SCN2A-related disorders; SCN2A-related condition. Identifiers: MedGen CN382226, MONDO:1060245.

Submissions (2):

3billion
Classification: Uncertain significance for SCN2A-related disorder. Last evaluated: 2025-10-03. Review status: criteria provided, single submitter. Criteria: ACMG Guidelines, 2015. Collection method: clinical testing. Allele origin: germline. Affected: yes.
Comment: The variant is not observed in the gnomAD v4.1.0 dataset. Predicted Consequence/Location: Missense variant In silico tool predictions suggest damaging effect of the variant on gene or gene product [REVEL: 0.85 (>=0.6, sensitivity 0.68 and specificity 0.92); 3Cnet: 1.00 (> 0.75, sensitivity 0.96 and precision 0.92)]. A different missense change at the same codon (p.Met1538Ile) has been reported to be associated with SCN2A-related disorder (ClinVar ID: VCV000978723 /PMID: 33935161). Therefore, this variant is classified as VUS according to the recommendation of ACMG/AMP guideline.

GeneDx
Classification: Uncertain significance. Last evaluated: 2014-12-02. Review status: criteria provided, single submitter. Criteria: GeneDx Variant Classification (06012015). Collection method: clinical testing. Allele origin: germline. Affected: yes.
Comment: p.Met1538Val (ATG>GTG): c.4612 A>G in exon 26 of the SCN2A gene (NM_021007.2). A variant of unknown significance has been identified in the SCN2A gene. The M1538V variant has not been published as a mutation, nor has it been reported as a benign polymorphism to our knowledge. It was not observed in approximately 6,500 individuals of European and African American ancestry in the NHLBI Exome Sequencing Project, indicating it is not a common benign variant in these populations. The M1538V variant is a conservative amino acid substitution, which is not likely to impact secondary protein structure as these residues share similar properties. However, this substitution alters a conserved position predicted to be within the transmembrane segment S1 in the fourth homologous domain, and in silico analysis is inconsistent in its predictions as to whether or not the variant is damaging to the protein structure/function. Therefore, based on the currently available information, it is unclear whether this variant is a pathogenic mutation or a rare benign variant. The variant is found in INFANT-EPI panel(s).

Literature cited by the submitters: PubMed 33935161 (cited by 3billion).